The following is an entry in ClinVar:

NM_000237.3(LPL):c.1371G>C (p.Lys457Asn)

Gene: LPL (lipoprotein lipase; plus strand). Cytogenetic location: 8p21.3.
Variant type: single nucleotide variant.
Coding change: c.1371G>C on transcript NM_000237.3 (MANE Select); coding-DNA position 1371, G replaced by C.
Protein change: p.Lys457Asn; replaces lysine 457 with asparagine.
Molecular consequence: missense variant.
Genome position (GRCh38, 1-based): chr8:19,962,163, G>C. VCF-style: chr8-19962163-G-C. GRCh37 (hg19) VCF-style: chr8-19819674-G-C.
Other names: short protein forms K457N.
Identifiers: ClinVar variation 1771058 (VCV001771058.2), dbSNP rs745596838, ClinGen allele CA4655724.
Genomic context (GRCh38, chr8:19,962,163, plus strand): 5'-TTTCTTCCACAGGGTGATCTTCTGTTCTAGGGAGAAAGTGTCTCATTTGCAGAAAGGAAA[G>C]GCACCTGCGGTATTTGTGAAATGCCATGACAAGTCTCTGAATAAGAAGTCAGGCTGGTGA-3'
Protein context (NP_000228.1, residues 447-467): REKVSHLQKG[Lys457Asn]APAVFVKCHD

ClinVar aggregate classification (germline): Uncertain significance (1 of 4 stars; one submission).

Conditions:
Cardiovascular phenotype. Identifiers: MedGen CN230736.

Allele frequency attached by ClinVar (database versions not stated): ExAC 0.00001; gnomAD 0.00002.
gnomAD v4.1: 3 of 1,613,812 alleles (0.00019%); highest among the groups gnomAD compares: African/African-American, 0.004%; no homozygotes.

Submission:

Ambry Genetics
Classification: Uncertain significance for Cardiovascular phenotype. Last evaluated: 2021-11-19. Review status: criteria provided, single submitter. Criteria: Ambry Variant Classification Scheme 2023. Collection method: clinical testing. Allele origin: germline.
Comment: The p.K457N variant (also known as c.1371G>C), located in coding exon 9 of the LPL gene, results from a G to C substitution at nucleotide position 1371. The lysine at codon 457 is replaced by asparagine, an amino acid with similar properties. This amino acid position is conserved. In addition, this alteration is predicted to be tolerated by in silico analysis. Since supporting evidence is limited at this time, the clinical significance of this alteration remains unclear.